The following is an entry in ClinVar:

NM_000136.3(FANCC):c.826del (p.Phe275_Ile276insTer)

Genes: AOPEP (aminopeptidase O (putative); plus strand), FANCC (FA complementation group C; minus strand). Cytogenetic location: 9q22.32.
Variant type: Deletion.
Coding change: c.826del on transcript NM_000136.3 (MANE Select); coding-DNA position 826, one base deleted (A; older notation c.826delA).
Protein change: p.Phe275_Ile276insTer.
Molecular consequence: nonsense.
Genome position (GRCh38, 1-based): chr9:95,135,363, T deleted on the plus strand (A on the coding strand, the reverse complement: FANCC is on the minus strand). VCF-style (leftmost placement, unchanged base first): chr9-95135362-AT-A. GRCh37 (hg19) VCF-style: chr9-97897644-AT-A.
Other names: c.826del, p.Phe275_Ile276insTer (NM_001243743.2, NM_001243744.2); c.826delA (NM_000136.2).
Identifiers: ClinVar variation 591710 (VCV000591710.5), dbSNP rs1564678441, ClinGen allele CA891862882.

ClinVar aggregate classification (germline): Pathogenic/Likely pathogenic. Review status: criteria provided, multiple submitters, no conflicts (2 of 4 stars). 4 submissions from 4 submitters: Pathogenic (1); Likely pathogenic (2). 1 of the submissions does not count toward it. Last evaluated 2024-05-27.

Conditions:
Fanconi anemia (FA). Also called: Fanconi's anemia. Identifiers: Orphanet 84, MedGen C0015625, MeSH D005199, MONDO:0019391.
Fanconi anemia complementation group C (FANCC). Also called: Fanconi anemia, group C; FANCC-Related Fanconi Anemia; FANCONI PANCYTOPENIA, TYPE 3; FACC. Identifiers: Orphanet 84, MedGen C3468041, MONDO:0009213, OMIM 227645.

Submissions (4):

Labcorp Genetics (formerly Invitae), Labcorp
Classification: Pathogenic for Fanconi anemia. Last evaluated: 2024-05-27. Review status: criteria provided, single submitter. Criteria: Invitae Variant Classification Sherloc (09022015). Collection method: clinical testing. Allele origin: germline.
Comment: This sequence change creates a premature translational stop signal (p.Ile276*) in the FANCC gene. It is expected to result in an absent or disrupted protein product. Loss-of-function variants in FANCC are known to be pathogenic (PMID: 17924555). This variant is not present in population databases (gnomAD no frequency). This variant has not been reported in the literature in individuals affected with FANCC-related conditions. ClinVar contains an entry for this variant (Variation ID: 591710). For these reasons, this variant has been classified as Pathogenic.

Natera, Inc.
Classification: Likely pathogenic for Fanconi anemia. Last evaluated: 2024-05-13. Review status: criteria provided, single submitter. Criteria: Natera Variant Classification Schema (03/2026). Collection method: clinical testing. Allele origin: germline.
Comment: The c.826delA variant in FANCC is a frameshift variant predicted to shift the reading frame and introduce a stop codon. This variant is expected to result in nonsense mediated decay, truncation, or a dysfunctional protein product. This variant is rare in the general population with a frequency below the threshold expected for the associated phenotype(s). Given the available evidence, this variant is classified as Likely Pathogenic.

Fulgent Genetics
Classification: Likely pathogenic for Fanconi anemia complementation group C. Last evaluated: 2024-03-11. Review status: criteria provided, single submitter. Criteria: ACMG Guidelines, 2015. Collection method: clinical testing. Allele origin: germline.

Gharavi Laboratory, Columbia University
Classification: Uncertain significance. Last evaluated: 2018-09-16. Review status: no assertion criteria provided. Criteria: ACMG Guidelines, 2015. Collection method: research. Allele origin: germline. Affected: yes. Not counted in ClinVar's aggregate classification.

Literature cited by the submitters: PubMed 17924555 (cited by Labcorp Genetics (formerly Invitae), Labcorp).